The following is an entry in ClinVar:

ClinVar aggregate classification (germline): Conflicting classifications of pathogenicity. Review status: criteria provided, conflicting classifications (1 of 4 stars). 4 submissions from 4 submitters: Uncertain significance (3); Likely benign (1). Last evaluated 2023-03-23.

Conditions:
Hereditary breast ovarian cancer syndrome. Also called: Hereditary breast and ovarian cancer syndrome; Hereditary breast and ovarian cancer; Hereditary breast and ovarian cancer syndrome (HBOC); Breast and ovarian cancer; Hereditary breast and/or ovarian cancer syndrome; BRCA1- and BRCA2-Associated Hereditary Breast and Ovarian Cancer. Identifiers: Orphanet 145, MedGen C0677776, MeSH D061325, MONDO:0003582. Disease mechanism: loss of function.
Hereditary cancer-predisposing syndrome. Also called: Neoplastic Syndromes, Hereditary; Tumor predisposition; Hereditary neoplastic syndrome; Hereditary Cancer Syndrome. Identifiers: Orphanet 140162, MedGen C0027672, MeSH D009386, MONDO:0015356.

Submissions (4):

University of Washington Department of Laboratory Medicine, University of Washington
Classification: Likely benign for Hereditary cancer-predisposing syndrome. Last evaluated: 2023-03-23. Review status: criteria provided, single submitter. Criteria: Dines et al. (Genet Med. 2020). Collection method: curation. Allele origin: germline.
Comment: Missense variant in a coldspot region where missense variants are very unlikely to be pathogenic (PMID:31911673).

BRCA2 exon 11 coldspot. Reclassification based on statistical prior probability.

Ambry Genetics
Classification: Uncertain significance for Hereditary cancer-predisposing syndrome. Last evaluated: 2022-01-28. Review status: criteria provided, single submitter. Criteria: Ambry Variant Classification Scheme 2023. Collection method: clinical testing. Allele origin: germline.
Comment: The p.L1390W variant (also known as c.4169T>G), located in coding exon 10 of the BRCA2 gene, results from a T to G substitution at nucleotide position 4169. The leucine at codon 1390 is replaced by tryptophan, an amino acid with similar properties. This variant has been detected in three unrelated Chinese women who were diagnosed with breast cancer (Liu PF et al. Clin Chim Acta. 2021 May;516:55-63). This amino acid position is highly conserved in available vertebrate species. In addition, the in silico prediction for this alteration is inconclusive. Since supporting evidence is limited at this time, the clinical significance of this alteration remains unclear.

Labcorp Genetics (formerly Invitae), Labcorp
Classification: Uncertain significance for Hereditary breast ovarian cancer syndrome. Last evaluated: 2021-12-12. Review status: criteria provided, single submitter. Criteria: Invitae Variant Classification Sherloc (09022015). Collection method: clinical testing. Allele origin: germline.
Comment: In summary, the available evidence is currently insufficient to determine the role of this variant in disease. Therefore, it has been classified as a Variant of Uncertain Significance. Advanced modeling of protein sequence and biophysical properties (such as structural, functional, and spatial information, amino acid conservation, physicochemical variation, residue mobility, and thermodynamic stability) performed at Invitae indicates that this missense variant is not expected to disrupt BRCA2 protein function. ClinVar contains an entry for this variant (Variation ID: 824644). This missense change has been observed in individual(s) with breast cancer (PMID: 33476590). This variant is not present in population databases (gnomAD no frequency). This sequence change replaces leucine, which is neutral and non-polar, with tryptophan, which is neutral and slightly polar, at codon 1390 of the BRCA2 protein (p.Leu1390Trp).

Color Diagnostics, LLC DBA Color Health
Classification: Uncertain significance for Hereditary cancer-predisposing syndrome. Last evaluated: 2021-02-02. Review status: criteria provided, single submitter. Criteria: ACMG Guidelines, 2015. Collection method: clinical testing. Allele origin: germline.
Comment: This missense variant replaces leucine with tryptophan at codon 1390 of the BRCA2 protein. Computational prediction is inconclusive regarding the impact of this variant on protein structure and function (internally defined REVEL score threshold 0.5 < inconclusive < 0.7, PMID: 27666373). A functional demonstrated that this variant protein had a comparable response to a PARP inhibitor as controls (PMID: 33476590). This variant has been reported in individuals affected with breast cancer (PMID: 33476590). This variant has not been identified in the general population by the Genome Aggregation Database (gnomAD). The available evidence is insufficient to determine the role of this variant in disease conclusively. Therefore, this variant is classified as a Variant of Uncertain Significance.

Literature cited by the submitters: PubMed 33476590 (cited by Ambry Genetics and Labcorp Genetics (formerly Invitae), Labcorp).

NM_000059.4(BRCA2):c.4169T>G (p.Leu1390Trp)

Gene: BRCA2 (BRCA2 DNA repair associated; plus strand). Cytogenetic location: 13q13.1.
Variant type: single nucleotide variant.
Coding change: c.4169T>G on transcript NM_000059.4 (MANE Select); coding-DNA position 4169, T replaced by G.
Protein change: p.Leu1390Trp; replaces leucine 1390 with tryptophan.
Molecular consequence: missense variant.
Genome position (GRCh38, 1-based): chr13:32,338,524, T>G. VCF-style: chr13-32338524-T-G. GRCh37 (hg19) VCF-style: chr13-32912661-T-G.
Other names: short protein forms L1390W.
Identifiers: ClinVar variation 824644 (VCV000824644.12), dbSNP rs1593901612, ClinGen allele CA387780076.
Genomic context (GRCh38, chr13:32,338,524, plus strand): 5'-GCCAGTTTATGAAGGAGGGAAACACTCAGATTAAAGAAGATTTGTCAGATTTAACTTTTT[T>G]GGAAGTTGCGAAAGCTCAAGAAGCATGTCATGGTAATACTTCAAATAAAGAACAGTTAAC-3'
Protein context (NP_000050.3, residues 1380-1400): IKEDLSDLTF[Leu1390Trp]EVAKAQEACH